The following is an entry in ClinVar:

NM_001354604.2(MITF):c.707G>A (p.Ser236Asn)

Gene: MITF (melanocyte inducing transcription factor; plus strand). Cytogenetic location: 3p13.
Variant type: single nucleotide variant.
Coding change: c.707G>A on transcript NM_001354604.2 (MANE Select); coding-DNA position 707, G replaced by A.
Protein change: p.Ser236Asn; replaces serine 236 with asparagine.
Molecular consequence: missense variant.
Genome position (GRCh38, 1-based): chr3:69,941,276, G>A. VCF-style: chr3-69941276-G-A. GRCh37 (hg19) VCF-style: chr3-69990427-G-A.
Other names: c.386G>A, p.Ser129Asn (NM_000248.4, NM_198158.3); c.551G>A, p.Ser184Asn (NM_001184967.2, NM_001354608.2); c.704G>A, p.Ser235Asn (NM_001354605.2, NM_001354606.2, NM_006722.3); c.656G>A, p.Ser219Asn (NM_001354607.2); c.707G>A, p.Ser236Asn (NM_198159.3); c.659G>A, p.Ser220Asn (NM_198177.3); c.218G>A, p.Ser73Asn (NM_198178.3); short protein forms S129N, S184N, S219N, S220N, S235N, S236N, S73N.
Identifiers: ClinVar variation 3762533 (VCV003762533.3).
Genomic context (GRCh38, chr3:69,941,276, plus strand): 5'-TCTTACCCTTTTTCCTACAGATGGATGATGTAATCGATGACATCATTAGCCTAGAATCAA[G>A]TTATAATGAGGAAATCTTGGGCTTGATGGATCCTGCTTTGCAAATGGCAAATACGGTATT-3'
Protein context (NP_001341533.1, residues 226-246): VIDDIISLES[Ser236Asn]YNEEILGLMD

ClinVar aggregate classification (germline): Uncertain significance. Review status: criteria provided, multiple submitters, no conflicts (2 of 4 stars). 2 submissions from 2 submitters: Uncertain significance (2). Last evaluated 2025-07-19.

Conditions:
Hereditary cancer-predisposing syndrome. Also called: Tumor predisposition; Hereditary Cancer Syndrome; Neoplastic Syndromes, Hereditary; Hereditary neoplastic syndrome. Identifiers: Orphanet 140162, MedGen C0027672, MeSH D009386, MONDO:0015356.
Melanoma, cutaneous malignant, susceptibility to, 8. Also called: MELANOMA AND RENAL CELL CARCINOMA, SUSCEPTIBILITY TO; Cutaneous malignant melanoma 8. Identifiers: Orphanet 293822, MedGen C3152204, MONDO:0013759, OMIM 614456.
Tietz syndrome (TADS). Also called: ALBINISM-DEAFNESS OF TIETZ; HYPOPIGMENTATION/DEAFNESS OF TIETZ; TIETZ ALBINISM-DEAFNESS SYNDROME. Identifiers: Orphanet 42665, MedGen C0391816, MONDO:0007077, OMIM 103500.
Waardenburg syndrome type 2A (WS2A). Also called: WAARDENBURG SYNDROME WITHOUT DYSTOPIA CANTHORUM. Identifiers: Orphanet 3440, MedGen C1860339, MONDO:0008671, OMIM 193510.

gnomAD v4.1: 3 of 1,613,106 alleles (0.00019%); highest among the groups gnomAD compares: Non-Finnish European, 0.00025%; no homozygotes.

Submissions (2):

Ambry Genetics
Classification: Uncertain significance for Hereditary cancer-predisposing syndrome. Last evaluated: 2025-07-19. Review status: criteria provided, single submitter. Criteria: Ambry Variant Classification Scheme 2023. Collection method: clinical testing. Allele origin: germline.
Comment: The p.S129N variant (also known as c.386G>A), located in coding exon 4 of the MITF gene, results from a G to A substitution at nucleotide position 386. The serine at codon 129 is replaced by asparagine, an amino acid with highly similar properties. This amino acid position is conserved. In addition, this alteration is predicted to be tolerated by in silico analysis. Based on the available evidence, the clinical significance of this variant remains unclear.

Labcorp Genetics (formerly Invitae), Labcorp
Classification: Uncertain significance for Melanoma, cutaneous malignant, susceptibility to, 8; Waardenburg syndrome type 2A; Tietz syndrome. Last evaluated: 2024-02-14. Review status: criteria provided, single submitter. Criteria: Invitae Variant Classification Sherloc (09022015). Collection method: clinical testing. Allele origin: germline.
Comment: This sequence change replaces serine, which is neutral and polar, with asparagine, which is neutral and polar, at codon 129 of the MITF protein (p.Ser129Asn). This variant is not present in population databases (gnomAD no frequency). This variant has not been reported in the literature in individuals affected with MITF-related conditions. Advanced modeling of protein sequence and biophysical properties (such as structural, functional, and spatial information, amino acid conservation, physicochemical variation, residue mobility, and thermodynamic stability) performed at Invitae indicates that this missense variant is not expected to disrupt MITF protein function with a negative predictive value of 80%. In summary, the available evidence is currently insufficient to determine the role of this variant in disease. Therefore, it has been classified as a Variant of Uncertain Significance.